The following is an entry in ClinVar:

ClinVar aggregate classification (germline): Pathogenic/Likely pathogenic. Review status: criteria provided, multiple submitters, no conflicts (2 of 4 stars). 4 submissions from 4 submitters: Pathogenic (3); Likely pathogenic (1). Last evaluated 2024-09-23.

Conditions:
L1CAM-related disorders.
L1CAM-related disorder. Also called: L1CAM-related condition.
Spastic paraplegia. Identifiers: MedGen C0037772, HP:0001258.

Submissions (4):

Labcorp Genetics (formerly Invitae), Labcorp
Classification: Likely pathogenic for Spastic paraplegia. Last evaluated: 2024-09-23. Review status: criteria provided, single submitter. Criteria: Invitae Variant Classification Sherloc (09022015). Collection method: clinical testing. Allele origin: germline.
Comment: This sequence change affects an acceptor splice site in intron 13 of the L1CAM gene. It is expected to disrupt RNA splicing. Variants that disrupt the donor or acceptor splice site typically lead to a loss of protein function (PMID: 16199547), and loss-of-function variants in L1CAM are known to be pathogenic (PMID: 19846429). This variant is not present in population databases (gnomAD no frequency). Disruption of this splice site has been observed in individual(s) with L1CAM-related conditions (PMID: 17328266). ClinVar contains an entry for this variant (Variation ID: 503684). Algorithms developed to predict the effect of sequence changes on RNA splicing suggest that this variant may disrupt the consensus splice site. In summary, the currently available evidence indicates that the variant is pathogenic, but additional data are needed to prove that conclusively. Therefore, this variant has been classified as Likely Pathogenic.

Baylor Genetics
Classification: Pathogenic for L1CAM-related disorders. Last evaluated: 2024-03-26. Review status: criteria provided, single submitter. Criteria: ACMG Guidelines, 2015. Collection method: clinical testing. Allele origin: unknown.

GeneDx
Classification: Pathogenic. Last evaluated: 2023-10-02. Review status: criteria provided, single submitter. Criteria: GeneDx Variant Classification Process June 2021. Collection method: clinical testing. Allele origin: germline. Affected: yes.
Comment: Canonical splice site variant predicted to result in a null allele in a gene for which loss of function is a known mechanism of disease; Not observed at significant frequency in large population cohorts (gnomAD); This variant is associated with the following publications: (PMID: 25525159, 17328266, 35571029)

PreventionGenetics, part of Exact Sciences
Classification: Pathogenic for L1CAM-related condition. Last evaluated: 2023-08-11. Review status: criteria provided, single submitter. Criteria: ACMG Guidelines, 2015. Collection method: clinical testing. Allele origin: germline.
Comment: The L1CAM c.1704-1G>A variant is predicted to disrupt the AG splice acceptor site and interfere with normal splicing. This variant was reported in an individual with X-linked L1 syndrome (Kanemura et al. 2006. PubMed ID: 17328266). This variant has not been reported in a large population database, indicating this variant is rare. Variants that disrupt the consensus splice acceptor site in L1CAM are expected to be pathogenic. This variant is interpreted as pathogenic.

Literature cited by the submitters: PubMed 16199547 (cited by Labcorp Genetics (formerly Invitae), Labcorp); PubMed 19846429 (cited by Labcorp Genetics (formerly Invitae), Labcorp); PubMed 17328266 (cited by Labcorp Genetics (formerly Invitae), Labcorp).

NM_001278116.2(L1CAM):c.1704-1G>A

Gene: L1CAM (L1 cell adhesion molecule; minus strand). Cytogenetic location: Xq28.
Variant type: single nucleotide variant.
Coding change: c.1704-1G>A on transcript NM_001278116.2 (MANE Select); the canonical splice acceptor site of the intron before coding-DNA position 1704, G replaced by A.
Molecular consequence: splice acceptor variant.
Genome position (GRCh38, 1-based): chrX:153,868,123, C>T on the plus strand (G>A on the coding strand, the complement: L1CAM is on the minus strand). VCF-style: chrX-153868123-C-T. GRCh37 (hg19) VCF-style: chrX-153133578-C-T.
Other names: c.1704-1G>A (NM_000425.4, NM_024003.3, NM_000425.5); c.1689-1G>A (NM_001143963.2).
Identifiers: ClinVar variation 503684 (VCV000503684.10), dbSNP rs1557091678, ClinGen allele CA415124242.